The following is an entry in ClinVar:

ClinVar aggregate classification (germline): Likely pathogenic. Review status: criteria provided, multiple submitters, no conflicts (2 of 4 stars). 3 submissions from 3 submitters: Likely pathogenic (3). Last evaluated 2025-05-30.

Conditions:
Dilated cardiomyopathy 1G (CMD1G). Identifiers: Orphanet 154, MedGen C1858763, MONDO:0011400, OMIM 604145.
Autosomal recessive limb-girdle muscular dystrophy type 2J (LGMDR10). Also called: Limb-girdle muscular dystrophy, type 2J; MUSCULAR DYSTROPHY, LIMB-GIRDLE, AUTOSOMAL RECESSIVE 10. Identifiers: Orphanet 140922, MedGen C1837342, MONDO:0012127, OMIM 608807.
Primary dilated cardiomyopathy (DCM). Also called: Dilated Cardiomyopathy. Identifiers: Orphanet 217604, MedGen C0007193, MeSH D002311, MONDO:0005021, HP:0001644. Inheritance: Various modes of inheritance.

Allele frequency attached by ClinVar (database versions not stated): ExAC 0.00001; gnomAD exomes below 0.00001.

Submissions (3):

GeneDx
Classification: Likely pathogenic. Last evaluated: 2025-05-30. Review status: criteria provided, single submitter. Criteria: GeneDx Variant Classification Process June 2021. Collection method: clinical testing. Allele origin: germline. Affected: yes.
Comment: Frameshift variant predicted to result in protein truncation or nonsense mediated decay in a gene for which loss of function is a known mechanism of disease; Located in the A-band, a region of TTN for which truncating variants are significantly associated with autosomal dominant cardiomyopathy and also with autosomal recessive skeletal myopathies (PMID: 22335739, 32778822); Reported in association with DCM; further patient-specific clinical detail was not provided (PMID: 25589632); Not observed at significant frequency in large population cohorts (gnomAD); This variant is associated with the following publications: (PMID: 22335739, 32778822, 25589632)

Labcorp Genetics (formerly Invitae), Labcorp
Classification: Likely pathogenic for Dilated cardiomyopathy 1G; Autosomal recessive limb-girdle muscular dystrophy type 2J. Last evaluated: 2024-03-16. Review status: criteria provided, single submitter. Criteria: Invitae Variant Classification Sherloc (09022015). Collection method: clinical testing. Allele origin: germline.
Comment: This sequence change creates a premature translational stop signal (p.Arg19805Lysfs*3) in the TTN gene. While this is not anticipated to result in nonsense mediated decay, it is expected to create a truncated TTN protein. This variant is present in population databases (rs755261062, gnomAD 0.007%). This premature translational stop signal has been observed in individual(s) with dilated cardiomyopathy (PMID: 25589632). ClinVar contains an entry for this variant (Variation ID: 223376). This variant is located in the A band of TTN (PMID: 25589632). Truncating variants in this region are significantly overrepresented in patients affected with dilated cardiomyopathy (PMID: 25589632). Truncating variants in this region have also been reported in individuals affected with autosomal recessive centronuclear myopathy (PMID: 23975875). In summary, the currently available evidence indicates that the variant is pathogenic, but additional data are needed to prove that conclusively. Therefore, this variant has been classified as Likely Pathogenic.

Cardiovascular Biomedical Research Unit, Royal Brompton & Harefield NHS Foundation Trust
Classification: Likely pathogenic for Primary dilated cardiomyopathy. Last evaluated: 2014-10-08. Review status: criteria provided, single submitter. Criteria: Roberts et al. 2015. Collection method: research. Allele origin: germline. Inheritance: Autosomal dominant inheritance. Affected: yes. Observed: 1 variant allele. Study: Familial DCM.
Comment: In the seven cohorts assessed, TTNtv were found in 14% of ambulant DCM, 22% end-stage or familial DCM, and 2% controls. Heterozygous nonsense, frameshift and canonical splice-disrupting variants found in constitutive and other highly utilised exons are highly likely to be pathogenic when identified in individuals with phenotypically confirmed DCM. TTNtv found incidentally in healthy individuals (excluding familial assessment of DCM relatives) are thought to have low penetrance, particularly when identified in exons that are not constitutively expressed in the heart.

Literature cited by the submitters: PubMed 25589632 (cited by Labcorp Genetics (formerly Invitae), Labcorp); PubMed 23975875 (cited by Labcorp Genetics (formerly Invitae), Labcorp).

NM_001267550.2(TTN):c.59411dup (p.Arg19805fs)

Genes: TTN (titin; minus strand), TTN-AS1 (TTN antisense RNA 1; plus strand), LOC126806424 (CDK7 strongly-dependent group 2 enhancer GRCh37_chr2:179456337-179457536; plus strand). Cytogenetic location: 2q31.2.
Variant type: Duplication.
Coding change: c.59411dup on transcript NM_001267550.2 (MANE Select); coding-DNA position 59411, one base duplicated (T; older notation c.59411dupT).
Protein change: p.Arg19805fs; shifts the reading frame from arginine 19805.
Molecular consequence: frameshift variant.
Genome position (GRCh38, 1-based): chr2:178,592,594, A duplicated on the plus strand (T on the coding strand, the reverse complement: TTN is on the minus strand). VCF-style (leftmost placement, unchanged base first): chr2-178592593-T-TA. GRCh37 (hg19) VCF-style: chr2-179457320-T-TA.
Other names: c.59411dupT (LRG_391t1, LRG_391t1); c.54488dup, p.Arg18164fs (NM_001256850.1); c.32216dup, p.Arg10740fs (NM_003319.4); c.51707dup, p.Arg17237fs (NM_133378.4); c.32591dup, p.Arg10865fs (NM_133432.3); c.32792dup, p.Arg10932fs (NM_133437.4); c.59411dup (NM_001267550.1); short protein forms R10740fs, R10865fs, R18164fs, R19805fs, R10932fs, R17237fs.
Identifiers: ClinVar variation 223376 (VCV000223376.10), dbSNP rs755261062, ClinGen allele CA352445.
Genomic context (GRCh38, chr2:178,592,593, plus strand): 5'-GTCTTCTTTTTTCCAAGTTACTTTTGGGAATGGCACTCCTTTGATGATGGCACTAAGTCT[T>TA]AGAGTATCACCAACTTTAATGTGTTGTTCTCTTGCCATGTTGGCATCAAGAATCAACTCA-3'